The following is an entry in ClinVar:

ClinVar aggregate classification (germline): Pathogenic. Review status: criteria provided, multiple submitters, no conflicts (2 of 4 stars). 2 submissions from 2 submitters: Pathogenic (2). Last evaluated 2025-11-09.

Conditions:
Marfan syndrome (MFS). Also called: MARFAN SYNDROME, TYPE I; Marfan syndrome type 1; Marfan's syndrome; Marfan syndrome, classic; FBN1-Related Marfan Syndrome. Identifiers: Orphanet 284963, Orphanet 558, MedGen C0024796, MONDO:0007947, OMIM 154700.
Familial thoracic aortic aneurysm and aortic dissection (TAAD). Also called: Thoracic aortic aneurysms and dissections. Identifiers: Orphanet 91387, MedGen C4707243, MONDO:0019625.

Submissions (2):

3billion
Classification: Pathogenic for Marfan syndrome. Last evaluated: 2025-11-09. Review status: criteria provided, single submitter. Criteria: ACMG Guidelines, 2015. Collection method: clinical testing. Allele origin: germline. Affected: yes.
Comment: The variant is not observed in the gnomAD v4.1.0 dataset. Predicted Consequence/Location: Canonical splice site: predicted to alter splicing and result in a loss or disruption of normal protein function. Multiple pathogenic loss-of-function variants are reported downstream of the variant. In silico tools predict the variant to alter splicing and produce an abnormal transcript [SpliceAI: 1.00 (spliceogenicity >=0.2, non-spliceogenicity <0.1)]. The variant has been reported to be associated with FBN1-related disorder (ClinVar ID: VCV003760228). Therefore, this variant is classified as Pathogenic according to the recommendation of ACMG/AMP guideline.

Labcorp Genetics (formerly Invitae), Labcorp
Classification: Pathogenic for Marfan syndrome; Familial thoracic aortic aneurysm and aortic dissection. Last evaluated: 2025-01-01. Review status: criteria provided, single submitter. Criteria: Invitae Variant Classification Sherloc (09022015). Collection method: clinical testing. Allele origin: germline.
Comment: This sequence change affects a donor splice site in intron 37 of the FBN1 gene. It is expected to disrupt RNA splicing. Variants that disrupt the donor or acceptor splice site typically lead to a loss of protein function (PMID: 16199547), and loss-of-function variants in FBN1 are known to be pathogenic (PMID: 17657824, 19293843). This variant is not present in population databases (gnomAD no frequency). Disruption of this splice site has been observed in individuals with Marfan syndrome (PMID: 25907466, 26787436, 28941062). Algorithms developed to predict the effect of sequence changes on RNA splicing suggest that this variant may disrupt the consensus splice site. For these reasons, this variant has been classified as Pathogenic.

Literature cited by the submitters: PubMed 16199547 (cited by Labcorp Genetics (formerly Invitae), Labcorp); PubMed 17657824 (cited by Labcorp Genetics (formerly Invitae), Labcorp); PubMed 19293843 (cited by Labcorp Genetics (formerly Invitae), Labcorp); PubMed 25907466 (cited by Labcorp Genetics (formerly Invitae), Labcorp); PubMed 26787436 (cited by Labcorp Genetics (formerly Invitae), Labcorp); PubMed 28941062 (cited by Labcorp Genetics (formerly Invitae), Labcorp).

NM_000138.5(FBN1):c.4582+1G>C

Gene: FBN1 (fibrillin 1; minus strand). Cytogenetic location: 15q21.1.
Variant type: single nucleotide variant.
Coding change: c.4582+1G>C on transcript NM_000138.5 (MANE Select); the canonical splice donor site of the intron after coding-DNA position 4582, G replaced by C.
Molecular consequence: splice donor variant.
Genome position (GRCh38, 1-based): chr15:48,468,411, C>G on the plus strand (G>C on the coding strand, the complement: FBN1 is on the minus strand). VCF-style: chr15-48468411-C-G. GRCh37 (hg19) VCF-style: chr15-48760608-C-G.
Other names: c.4582+1G>C (NM_001406716.1).
Identifiers: ClinVar variation 3760228 (VCV003760228.3).
Genomic context (GRCh38, chr15:48,468,411, plus strand): 5'-GTGCTGTTTTCAAAATAATACACAGTATGCTTGCTTCTCTGAAAAGTTTTTAAGGTCTTA[C>G]CAACACAGCCAACTCGAGTTGGGTTCAGTTCAAAATCAGGTGGGCAGTCACAGATATAGC-3'